The following is an entry in ClinVar:

ClinVar aggregate classification (germline): Uncertain significance. Review status: criteria provided, multiple submitters, no conflicts (2 of 4 stars). 2 submissions from 2 submitters: Uncertain significance (2). Last evaluated 2025-02-19.

Conditions:
Charcot-Marie-Tooth disease type 2R. Also called: Charcot-Marie-Tooth disease, axonal, type 2R; CHARCOT-MARIE-TOOTH NEUROPATHY, TYPE 2R; CHARCOT-MARIE-TOOTH DISEASE, AXONAL, AUTOSOMAL RECESSIVE, TYPE 2R. Identifiers: Orphanet 397968, MedGen C3809655, MONDO:0014208, OMIM 615490.

Allele frequency attached by ClinVar (database versions not stated): gnomAD exomes below 0.00001 and 0.00001; ExAC 0.00001.
gnomAD v4.1: 7 of 1,614,168 alleles (0.00043%); highest among the groups gnomAD compares: South Asian, 0.0055%; no homozygotes.

Submissions (2):

Labcorp Genetics (formerly Invitae), Labcorp
Classification: Uncertain significance for Charcot-Marie-Tooth disease type 2R. Last evaluated: 2025-02-19. Review status: criteria provided, single submitter. Criteria: Invitae Variant Classification Sherloc (09022015). Collection method: clinical testing. Allele origin: germline.
Comment: This sequence change replaces isoleucine, which is neutral and non-polar, with methionine, which is neutral and non-polar, at codon 525 of the TRIM2 protein (p.Ile525Met). This variant is present in population databases (rs767256297, gnomAD 0.003%). This variant has not been reported in the literature in individuals affected with TRIM2-related conditions. ClinVar contains an entry for this variant (Variation ID: 1374361). An algorithm developed to predict the effect of missense changes on protein structure and function (PolyPhen-2) suggests that this variant is likely to be tolerated. In summary, the available evidence is currently insufficient to determine the role of this variant in disease. Therefore, it has been classified as a Variant of Uncertain Significance.

Breakthrough Genomics
Classification: Uncertain significance. Review status: criteria provided, single submitter. Criteria: ACMG Guidelines, 2015. Collection method: not provided. Allele origin: germline. Inheritance: Autosomal recessive inheritance. Affected: yes.

NM_015271.5(TRIM2):c.1656A>G (p.Ile552Met)

Gene: TRIM2 (tripartite motif containing 2; plus strand). Cytogenetic location: 4q31.3.
Variant type: single nucleotide variant.
Coding change: c.1656A>G on transcript NM_015271.5 (MANE Select); coding-DNA position 1656, A replaced by G.
Protein change: p.Ile552Met; replaces isoleucine 552 with methionine.
Molecular consequence: missense variant.
Genome position (GRCh38, 1-based): chr4:153,315,873, A>G. VCF-style: chr4-153315873-A-G. GRCh37 (hg19) VCF-style: chr4-154237025-A-G.
Other names: c.1575A>G, p.Ile525Met (NM_001130067.2, NM_001351056.2, NM_001375512.1 and 5 more transcripts); c.1629A>G, p.Ile543Met (NM_001351054.2); c.1626A>G, p.Ile542Met (NM_001351055.2); c.1200A>G, p.Ile400Met (NM_001351057.2); c.1749A>G, p.Ile583Met (NM_001375488.1); c.1746A>G, p.Ile582Met (NM_001375489.1); c.1599A>G, p.Ile533Met (NM_001375490.1); c.1596A>G, p.Ile532Met (NM_001375491.1); and 3 more; short protein forms I400M, I533M, I582M, I441M, I525M, I542M, I543M, I552M.
Identifiers: ClinVar variation 1374361 (VCV001374361.9), dbSNP rs767256297, ClinGen allele CA3108802.
Genomic context (GRCh38, chr4:153,315,873, plus strand): 5'-AATGTAATTTATCTTACAGATATTTTCCAATGATGGCCAGTTCAAAAGTCGTTTTGGCAT[A>G]CGGGGACGCTCTCCGGGGCAGCTGCAGCGGCCCACAGGAGTGGCTGTACATCCCAGTGGG-3'
Protein context (NP_056086.2, residues 542-562): NDGQFKSRFG[Ile552Met]RGRSPGQLQR